The following is an entry in ClinVar:

NM_020832.3(ZNF687):c.2964+3G>A

Gene: ZNF687 (zinc finger protein 687; plus strand). Cytogenetic location: 1q21.3.
Variant type: single nucleotide variant.
Coding change: c.2964+3G>A on transcript NM_020832.3 (MANE Select); 3 bases into the intron after coding-DNA position 2964, G replaced by A.
Molecular consequence: intron variant.
Genome position (GRCh38, 1-based): chr1:151,290,010, G>A. VCF-style: chr1-151290010-G-A. GRCh37 (hg19) VCF-style: chr1-151262486-G-A.
Other names: c.2964+3G>A (NM_001304764.2, NM_001304763.2, NM_020832.2).
Identifiers: ClinVar variation 2967384 (VCV002967384.5), dbSNP rs377541398, ClinGen allele CA1088691.

ClinVar aggregate classification (germline): Uncertain significance. Review status: criteria provided, single submitter (1 of 4 stars). 2 submissions from 2 submitters: Uncertain significance (1). 1 of the submissions does not count toward it. Last evaluated 2025-10-02.

Conditions:
ZNF687-related disorder. Also called: ZNF687-related condition.

Allele frequency attached by ClinVar (database versions not stated): ExAC 0.00002; gnomAD 0.00001; ESP Exome Variant Server 0.00008; TOPMed 0.00001.

Submissions (2):

Labcorp Genetics (formerly Invitae), Labcorp
Classification: Uncertain significance. Last evaluated: 2025-10-02. Review status: criteria provided, single submitter. Criteria: Invitae Variant Classification Sherloc (09022015). Collection method: clinical testing. Allele origin: germline.
Comment: This sequence change falls in intron 6 of the ZNF687 gene. It does not directly change the encoded amino acid sequence of the ZNF687 protein. It affects a nucleotide within the consensus splice site. This variant is present in population databases (rs377541398, gnomAD 0.004%). This variant has not been reported in the literature in individuals affected with ZNF687-related conditions. ClinVar contains an entry for this variant (Variation ID: 2967384). Variants that disrupt the consensus splice site are a relatively common cause of aberrant splicing (PMID: 17576681, 9536098). Algorithms developed to predict the effect of sequence changes on RNA splicing suggest that this variant is not likely to affect RNA splicing. In summary, the available evidence is currently insufficient to determine the role of this variant in disease. Therefore, it has been classified as a Variant of Uncertain Significance.

PreventionGenetics, part of Exact Sciences
Classification: Likely benign for ZNF687-related condition. Last evaluated: 2019-09-17. Review status: no assertion criteria provided. Collection method: clinical testing. Allele origin: germline. Not counted in ClinVar's aggregate classification.
Comment: This variant is classified as likely benign based on ACMG/AMP sequence variant interpretation guidelines (Richards et al. 2015 PMID: 25741868, with internal and published modifications).

Literature cited by the submitters: PubMed 17576681 (cited by Labcorp Genetics (formerly Invitae), Labcorp); PubMed 9536098 (cited by Labcorp Genetics (formerly Invitae), Labcorp).